The following is an entry in ClinVar:

ClinVar aggregate classification (germline): Likely benign. Review status: criteria provided, multiple submitters, no conflicts (2 of 4 stars). 3 submissions from 3 submitters: Likely benign (3). Last evaluated 2026-02-02.

Conditions:
Methylmalonic acidemia with homocystinuria, type cblX (MAHCX). Also called: INTELLECTUAL DEVELOPMENTAL DISORDER, X-LINKED 3. Identifiers: Orphanet 369962, MedGen C0796208, MONDO:0010657, OMIM 309541.

Allele frequency attached by ClinVar (database versions not stated): ExAC 0.00021; TOPMed 0.00022; gnomAD 0.00028 and 0.00031; gnomAD exomes 0.00051.
gnomAD v4.1: 417 of 1,209,563 alleles (0.034%); highest among the groups gnomAD compares: Middle Eastern, 0.023%; no homozygotes.

Submissions (3):

Labcorp Genetics (formerly Invitae), Labcorp
Classification: Likely benign for Methylmalonic acidemia with homocystinuria, type cblX. Last evaluated: 2026-02-02. Review status: criteria provided, single submitter. Criteria: Invitae Variant Classification Sherloc (09022015). Collection method: clinical testing. Allele origin: germline.

Mayo Clinic Laboratories, Mayo Clinic
Classification: Likely benign. Last evaluated: 2024-09-30. Review status: criteria provided, single submitter. Criteria: ACMG Guidelines, 2015. Collection method: clinical testing. Allele origin: germline. Observed: 1 variant allele.
Comment: BS2, BP4, BP7

CeGaT Center for Human Genetics Tuebingen
Classification: Likely benign. Last evaluated: 2023-02-01. Review status: criteria provided, single submitter. Criteria: CeGaT Center For Human Genetics Tuebingen Variant Classification Criteria Version 2. Collection method: clinical testing. Allele origin: germline. Affected: yes. Observed: 2 variant alleles.
Comment: HCFC1: BP4, BP7, BS2

NM_005334.3(HCFC1):c.5397C>A (p.Pro1799=)

Gene: HCFC1 (host cell factor C1; minus strand). Cytogenetic location: Xq28.
Variant type: single nucleotide variant.
Coding change: c.5397C>A on transcript NM_005334.3 (MANE Select); coding-DNA position 5397, C replaced by A.
Protein change: p.Pro1799=; no amino-acid change (proline 1799 retained).
Molecular consequence: synonymous variant.
Genome position (GRCh38, 1-based): chrX:153,951,470, G>T on the plus strand (C>A on the coding strand, the complement: HCFC1 is on the minus strand). VCF-style: chrX-153951470-G-T. GRCh37 (hg19) VCF-style: chrX-153216921-G-T.
Other names: p.Pro1799=.
Identifiers: ClinVar variation 737620 (VCV000737620.48), dbSNP rs201452496, ClinGen allele CA10556774.